The following is an entry in ClinVar:

NM_032043.3(BRIP1):c.94-2A>G

Gene: BRIP1 (BRCA1 interacting DNA helicase 1; minus strand). Cytogenetic location: 17q23.2.
Variant type: single nucleotide variant.
Coding change: c.94-2A>G on transcript NM_032043.3 (MANE Select); the canonical splice acceptor site of the intron before coding-DNA position 94, A replaced by G.
Molecular consequence: splice acceptor variant.
Genome position (GRCh38, 1-based): chr17:61,859,909, T>C on the plus strand (A>G on the coding strand, the complement: BRIP1 is on the minus strand). VCF-style: chr17-61859909-T-C. GRCh37 (hg19) VCF-style: chr17-59937270-T-C.
Identifiers: ClinVar variation 1766919 (VCV001766919.2), dbSNP rs2145853178, ClinGen allele CA400485888.

ClinVar aggregate classification (germline): Likely pathogenic (1 of 4 stars; one submission).

Conditions:
Hereditary cancer-predisposing syndrome. Also called: Hereditary Cancer Syndrome; Hereditary neoplastic syndrome; Neoplastic Syndromes, Hereditary; Tumor predisposition. Identifiers: Orphanet 140162, MedGen C0027672, MeSH D009386, MONDO:0015356.

Submission:

Ambry Genetics
Classification: Likely pathogenic for Hereditary cancer-predisposing syndrome. Last evaluated: 2021-05-19. Review status: criteria provided, single submitter. Criteria: Ambry Variant Classification Scheme 2023. Collection method: clinical testing. Allele origin: germline.
Comment: The c.94-2A>G intronic variant results from an A to G substitution two nucleotides upstream from coding exon 2 in the BRIP1 gene. In silico splice site analysis predicts that this alteration will weaken the native splice acceptor site and will result in the creation or strengthening of a novel splice acceptor site. RNA studies have demonstrated that this alteration results in abnormal splicing in the set of samples tested (Ambry internal data). Alterations that disrupt the canonical splice site are expected to cause aberrant splicing, resulting in an abnormal protein or a transcript that is subject to nonsense-mediated mRNA decay. As such, this alteration is classified as likely pathogenic.